The following is an entry in ClinVar:

NM_001252102.2(KIF21B):c.1057G>A (p.Asp353Asn)

Gene: KIF21B (kinesin family member 21B; minus strand). Cytogenetic location: 1q32.1.
Variant type: single nucleotide variant.
Coding change: c.1057G>A on transcript NM_001252102.2 (MANE Select); coding-DNA position 1057, G replaced by A.
Protein change: p.Asp353Asn; replaces aspartic acid 353 with asparagine.
Molecular consequence: missense variant.
Genome position (GRCh38, 1-based): chr1:201,003,741, C>T on the plus strand (G>A on the coding strand, the complement: KIF21B is on the minus strand). VCF-style: chr1-201003741-C-T. GRCh37 (hg19) VCF-style: chr1-200972869-C-T.
Other names: c.1057G>A, p.Asp353Asn (NM_001252100.2, NM_001252103.2, NM_017596.4); short protein forms D353N.
Identifiers: ClinVar variation 3766312 (VCV003766312.1).

ClinVar aggregate classification (germline): Uncertain significance (1 of 4 stars; one submission).

Submission:

GeneDx
Classification: Uncertain significance. Last evaluated: 2024-08-28. Review status: criteria provided, single submitter. Criteria: GeneDx Variant Classification Process June 2021. Collection method: clinical testing. Allele origin: germline. Affected: yes.
Comment: Not observed at significant frequency in large population cohorts (gnomAD); In silico analysis supports that this missense variant has a deleterious effect on protein structure/function; Has not been previously published as pathogenic or benign to our knowledge